The following is an entry in ClinVar:

NM_002815.4(PSMD11):c.1003C>G (p.Leu335Val)

Gene: PSMD11 (proteasome 26S subunit, non-ATPase 11; plus strand). Cytogenetic location: 17q11.2.
Variant type: single nucleotide variant.
Coding change: c.1003C>G on transcript NM_002815.4 (MANE Select); coding-DNA position 1003, C replaced by G.
Protein change: p.Leu335Val; replaces leucine 335 with valine.
Molecular consequence: missense variant.
Genome position (GRCh38, 1-based): chr17:32,479,341, C>G. VCF-style: chr17-32479341-C-G. GRCh37 (hg19) VCF-style: chr17-30806359-C-G.
Other names: c.1003C>G, p.Leu335Val (NM_001270482.2); short protein forms L335V.
Identifiers: ClinVar variation 4537732 (VCV004537732.1).

ClinVar aggregate classification (germline): Uncertain significance (1 of 4 stars; one submission).

Submission:

GeneDx
Classification: Uncertain significance. Last evaluated: 2025-06-11. Review status: criteria provided, single submitter. Criteria: GeneDx Variant Classification Process June 2021. Collection method: clinical testing. Allele origin: germline. Affected: yes.
Comment: Not observed at significant frequency in large population cohorts (gnomAD); In silico analysis supports that this missense variant has a deleterious effect on protein structure/function; Has not been previously published as pathogenic or benign to our knowledge